The following is an entry in ClinVar:

NM_139276.3(STAT3):c.711C>T (p.Asp237=)

Genes: STAT3 (signal transducer and activator of transcription 3; minus strand), LOC130060888 (ATAC-STARR-seq lymphoblastoid active region 12197; plus strand). Cytogenetic location: 17q21.2.
Variant type: single nucleotide variant.
Coding change: c.711C>T on transcript NM_139276.3 (MANE Select); coding-DNA position 711, C replaced by T.
Protein change: p.Asp237=; no amino-acid change (aspartic acid 237 retained).
Molecular consequence: synonymous variant.
Genome position (GRCh38, 1-based): chr17:42,337,521, G>A on the plus strand (C>T on the coding strand, the complement: STAT3 is on the minus strand). VCF-style: chr17-42337521-G-A. GRCh37 (hg19) VCF-style: chr17-40489539-G-A.
Other names: p.Asp237=; c.711C>T, p.Asp237= (NM_001369512.1, NM_001369513.1, NM_001369514.1 and 15 more transcripts); c.633C>T, p.Asp211= (NM_001384985.1); c.615C>T, p.Asp205= (NM_001384989.1).
Identifiers: ClinVar variation 36793 (VCV000036793.21), dbSNP rs17882069, ClinGen allele CA260552.

ClinVar aggregate classification (germline): Benign. Review status: criteria provided, multiple submitters, no conflicts (2 of 4 stars). 6 submissions from 6 submitters: Benign (5). 1 of the submissions does not count toward it. Last evaluated 2026-01-27.

Conditions:
Hyper-IgE recurrent infection syndrome 1, autosomal dominant. Also called: JOB SYNDROME; Job's Syndrome; STAT3 Hyper IgE Syndrome; Hyper-IgE recurrent infection syndrome 1; HYPER-IgE SYNDROME 1, AUTOSOMAL DOMINANT, WITH RECURRENT INFECTIONS. Identifiers: Orphanet 2314, MedGen C2936739, MONDO:0007818, OMIM 147060.
STAT3 gain of function. Identifiers: MedGen C4288261.
STAT3-related disorder. Also called: STAT3-related condition.

Allele frequency attached by ClinVar (database versions not stated): 1000 Genomes Project 0.00539; ESP Exome Variant Server 0.00669; TOPMed 0.00710; gnomAD 0.00712 and 0.00652; gnomAD exomes 0.00059 and 0.00162; 1000 Genomes Project 30x 0.00547; ExAC 0.00184.
gnomAD v4.1: 1,878 of 1,614,138 alleles (0.12%); highest among the groups gnomAD compares: African/African-American, 2.2%; 24 homozygotes.

Submissions (6):

Labcorp Genetics (formerly Invitae), Labcorp
Classification: Benign for STAT3 gain of function; Hyper-IgE recurrent infection syndrome 1, autosomal dominant. Last evaluated: 2026-01-27. Review status: criteria provided, single submitter. Criteria: Invitae Variant Classification Sherloc (09022015). Collection method: clinical testing. Allele origin: germline.

Mayo Clinic Laboratories, Mayo Clinic
Classification: Benign. Last evaluated: 2021-02-02. Review status: criteria provided, single submitter. Criteria: ACMG Guidelines, 2015. Collection method: clinical testing. Allele origin: germline. Observed: 4 variant alleles.

GeneDx
Classification: Benign. Last evaluated: 2015-03-03. Review status: criteria provided, single submitter. Criteria: GeneDx Variant Classification Process June 2021. Collection method: clinical testing. Allele origin: germline. Affected: yes.

Women's Health and Genetics/Laboratory Corporation of America, LabCorp
Classification: Benign for Hyper IgE Syndrome. Last evaluated: 2011-08-18. Review status: criteria provided, single submitter. Criteria: LabCorp Variant Classification Summary - May 2015. Collection method: curation, clinical testing. Allele origin: germline. Inheritance: autosomal unknown. Affected: yes.
ClinVar note: Converted during submission from benign to Benign.

Breakthrough Genomics
Classification: Benign. Review status: criteria provided, single submitter. Criteria: ACMG Guidelines, 2015. Collection method: not provided. Allele origin: germline. Inheritance: Autosomal dominant inheritance. Affected: yes.

PreventionGenetics, part of Exact Sciences
Classification: Benign for STAT3-related condition. Last evaluated: 2019-03-29. Review status: no assertion criteria provided. Collection method: clinical testing. Allele origin: germline. Not counted in ClinVar's aggregate classification.
Comment: This variant is classified as benign based on ACMG/AMP sequence variant interpretation guidelines (Richards et al. 2015 PMID: 25741868, with internal and published modifications).